The following is an entry in ClinVar:

NM_001130987.2(DYSF):c.5266C>T (p.Arg1756Trp)

Gene: DYSF (dysferlin; plus strand). Cytogenetic location: 2p13.2.
Variant type: single nucleotide variant.
Coding change: c.5266C>T on transcript NM_001130987.2 (MANE Select); coding-DNA position 5266, C replaced by T.
Protein change: p.Arg1756Trp; replaces arginine 1756 with tryptophan.
Molecular consequence: missense variant.
Genome position (GRCh38, 1-based): chr2:71,665,253, C>T. VCF-style: chr2-71665253-C-T. GRCh37 (hg19) VCF-style: chr2-71892383-C-T.
Other names: p.Arg1717Trp; c.5152C>T, p.Arg1718Trp (NM_001130455.2); c.5107C>T, p.Arg1703Trp (NM_001130976.2); c.5170C>T, p.Arg1724Trp (NM_001130977.2); c.5212C>T, p.Arg1738Trp (NM_001130978.2); c.5242C>T, p.Arg1748Trp (NM_001130979.2); c.5200C>T, p.Arg1734Trp (NM_001130980.2); c.5263C>T, p.Arg1755Trp (NM_001130981.2); and 6 more; short protein forms R1748W, R1703W, R1704W, R1724W, R1725W, R1755W, R1734W, R1717W.
Identifiers: ClinVar variation 281237 (VCV000281237.60), dbSNP rs148541407, ClinGen allele CA1707306.

ClinVar aggregate classification (germline): Conflicting classifications of pathogenicity. Review status: criteria provided, conflicting classifications (1 of 4 stars). 9 submissions from 9 submitters: Uncertain significance (5); Likely benign (3). 1 of the submissions does not count toward it. Last evaluated 2026-06-29.

Conditions:
Neuromuscular disease caused by qualitative or quantitative defects of dysferlin. Also called: Dysferlinopathy; Qualitative or quantitative defects of dysferlin. Identifiers: Orphanet 207073, MedGen C2931687, MONDO:0016145.
Autosomal recessive limb-girdle muscular dystrophy type 2B (LGMDR2). Also called: MUSCULAR DYSTROPHY, LIMB-GIRDLE, TYPE 3; Limb-Girdle Muscular Dystrophy Type 2B (LGMD2B); Limb-girdle muscular dystrophy, type 2B; MUSCULAR DYSTROPHY, LIMB-GIRDLE, AUTOSOMAL RECESSIVE 2. Identifiers: Orphanet 268, MedGen C1850889, MONDO:0009676, OMIM 253601.

Allele frequency attached by ClinVar (database versions not stated): 1000 Genomes Project 30x 0.00031; 1000 Genomes Project 0.00040; ExAC 0.00049; gnomAD exomes 0.00052 and 0.00087; TOPMed 0.00065; gnomAD 0.00068 and 0.00071; ESP Exome Variant Server 0.00092.
gnomAD v4.1: 1,348 of 1,614,180 alleles (0.084%); highest among the groups gnomAD compares: Non-Finnish European, 0.11%; 3 homozygotes.

Submissions (9):

GeneDx
Classification: Uncertain significance. Last evaluated: 2026-06-29. Review status: criteria provided, single submitter. Criteria: GeneDx Variant Classification Process June 2021. Collection method: clinical testing. Allele origin: germline.
Comment: In silico analysis supports that this missense variant has a deleterious effect on protein structure/function; This variant is associated with the following publications: (PMID: 25898921, 24438169, 21522182, 30564623, 39678382)

Labcorp Genetics (formerly Invitae), Labcorp
Classification: Likely benign for Neuromuscular disease caused by qualitative or quantitative defects of dysferlin. Last evaluated: 2026-02-03. Review status: criteria provided, single submitter. Criteria: Invitae Variant Classification Sherloc (09022015). Collection method: clinical testing. Allele origin: germline.

CeGaT Center for Human Genetics Tuebingen
Classification: Likely benign. Last evaluated: 2025-10-01. Review status: criteria provided, single submitter. Criteria: CeGaT Center For Human Genetics Tuebingen Variant Classification Criteria Version 2. Collection method: clinical testing. Allele origin: germline. Affected: yes. Observed: 4 variant alleles.
Comment: DYSF: BP4

Revvity Omics, Revvity
Classification: Uncertain significance. Last evaluated: 2025-03-19. Review status: criteria provided, single submitter. Criteria: ACMG Guidelines, 2015. Collection method: clinical testing. Allele origin: germline.

Blueprint Genetics
Classification: Uncertain significance. Last evaluated: 2024-11-15. Review status: criteria provided, single submitter. Criteria: ACMG Guidelines, 2015. Collection method: clinical testing. Allele origin: germline.

Mayo Clinic Laboratories, Mayo Clinic
Classification: Uncertain significance. Last evaluated: 2023-06-01. Review status: criteria provided, single submitter. Criteria: ACMG Guidelines, 2015. Collection method: clinical testing. Allele origin: germline. Observed: 3 variant alleles.

Women's Health and Genetics/Laboratory Corporation of America, LabCorp
Classification: Uncertain significance. Last evaluated: 2022-08-03. Review status: criteria provided, single submitter. Criteria: LabCorp Variant Classification Summary - May 2015. Collection method: clinical testing. Allele origin: germline.
Comment: Variant summary: DYSF c.5149C>T (p.Arg1717Trp) results in a non-conservative amino acid change in the encoded protein sequence. Three of five in-silico tools predict a benign effect of the variant on protein function. The variant allele was found at a frequency of 0.00052 in 251468 control chromosomes (gnomAD). This frequency is not significantly higher than expected for a pathogenic variant in DYSF causing Limb-Girdle Muscular Dystrophy, Autosomal Recessive (0.00052 vs 0.0031), allowing no conclusion about variant significance. c.5149C>T has been reported in the literature in individuals affected with Limb-Girdle Muscular Dystrophy, Autosomal Recessive (Cacciottolo_2011, Nallamilli_2018). These reports do not provide unequivocal conclusions about association of the variant with Limb-Girdle Muscular Dystrophy, Autosomal Recessive. To our knowledge, no experimental evidence demonstrating an impact on protein function has been reported. Five ClinVar submitters (evaluation after 2014) cite the variant as uncertain significance (n=3) and likely benign (n=2). Based on the evidence outlined above, the variant was classified as uncertain significance.

Eurofins Ntd Llc (ga)
Classification: Likely benign. Last evaluated: 2017-04-05. Review status: criteria provided, single submitter. Criteria: EGL Classification Definitions 2015. Collection method: clinical testing. Allele origin: germline. Observed: 3 variant alleles, 3 heterozygotes.

Natera, Inc.
Classification: Uncertain significance for Limb-girdle muscular dystrophy type 2B. Last evaluated: 2020-09-16. Review status: no assertion criteria provided. Collection method: clinical testing. Allele origin: germline. Not counted in ClinVar's aggregate classification.

Literature cited by the submitters: PubMed 21522182 (cited by Mayo Clinic Laboratories, Mayo Clinic and Women's Health and Genetics/Laboratory Corporation of America, LabCorp); PubMed 30564623 (cited by Mayo Clinic Laboratories, Mayo Clinic and Women's Health and Genetics/Laboratory Corporation of America, LabCorp); PubMed 25898921 (cited by Women's Health and Genetics/Laboratory Corporation of America, LabCorp).